The following is an entry in ClinVar:

ClinVar aggregate classification (germline): Uncertain significance (0 of 4 stars; one submission).

Conditions:
MASTL-related disorder. Also called: MASTL-related condition.

gnomAD v4.1: 3 of 1,614,214 alleles (0.00019%); highest among the groups gnomAD compares: Non-Finnish European, 0.00017%; no homozygotes.

Submission:

PreventionGenetics, part of Exact Sciences
Classification: Uncertain significance for MASTL-related condition. Last evaluated: 2024-07-10. Review status: no assertion criteria provided. Collection method: clinical testing. Allele origin: germline.
Comment: The MASTL c.1948A>G variant is predicted to result in the amino acid substitution p.Arg650Gly. To our knowledge, this variant has not been reported in the literature or in a large population database, indicating this variant is rare. At this time, the clinical significance of this variant is uncertain due to the absence of conclusive functional and genetic evidence.

NM_001172303.3(MASTL):c.1948A>G (p.Arg650Gly)

Gene: MASTL (microtubule associated serine/threonine kinase like; plus strand). Cytogenetic location: 10p12.1.
Variant type: single nucleotide variant.
Coding change: c.1948A>G on transcript NM_001172303.3 (MANE Select); coding-DNA position 1948, A replaced by G.
Protein change: p.Arg650Gly; replaces arginine 650 with glycine.
Molecular consequence: missense variant. On other transcripts: non-coding transcript variant (1).
Genome position (GRCh38, 1-based): chr10:27,170,907, A>G. VCF-style: chr10-27170907-A-G. GRCh37 (hg19) VCF-style: chr10-27459836-A-G.
Other names: c.1948A>G, p.Arg650Gly (NM_001172304.3, NM_001320756.2, NM_001320757.2 and 1 more transcripts); c.1465A>G, p.Arg489Gly (NM_001372029.1, NM_001372030.1); short protein forms R489G, R650G.
Identifiers: ClinVar variation 3346570 (VCV003346570.1).
Genomic context (GRCh38, chr10:27,170,907, plus strand): 5'-GAGAGTAACCAAAAAATGTTAGGTCCTCCTTTGGAGGTGCTGAAAACGTTAGCCTCTAAA[A>G]GAAATGCTGTTGCTTTTCGAAGTTTTAACAGTCATATTAATGCATCCAATAACTCAGAAC-3'
Protein context (NP_001165774.1, residues 640-660): LEVLKTLASK[Arg650Gly]NAVAFRSFNS